The following is an entry in ClinVar:

NM_001378743.1(CYLD):c.1503C>T (p.Leu501=)

Gene: CYLD (CYLD lysine 63 deubiquitinase; plus strand). Cytogenetic location: 16q12.1.
Variant type: single nucleotide variant.
Coding change: c.1503C>T on transcript NM_001378743.1 (MANE Select); coding-DNA position 1503, C replaced by T.
Protein change: p.Leu501=; no amino-acid change (leucine 501 retained).
Molecular consequence: synonymous variant. On other transcripts: non-coding transcript variant (1).
Genome position (GRCh38, 1-based): chr16:50,780,029, C>T. VCF-style: chr16-50780029-C-T. GRCh37 (hg19) VCF-style: chr16-50813940-C-T.
Other names: c.1494C>T, p.Leu498= (NM_001042355.2, NM_001042412.3, NM_001378744.1 and 6 more transcripts); c.1464C>T, p.Leu488= (NM_001378751.1, NM_001378752.1, NM_001378753.1); c.828C>T, p.Leu276= (NM_001378754.1, NM_001378755.1); c.1503C>T, p.Leu501= (NM_015247.3).
Identifiers: ClinVar variation 319504 (VCV000319504.7), dbSNP rs752471076, ClinGen allele CA8052404.

ClinVar aggregate classification (germline): Uncertain significance. Review status: criteria provided, single submitter (1 of 4 stars). 4 submissions from 2 submitters: Uncertain significance (3). 1 of the submissions does not count toward it. Last evaluated 2018-01-12.

Conditions:
Familial multiple trichoepitheliomata. Also called: Familial multiple trichoepithelioma. Identifiers: Orphanet 79493, Orphanet 867, MedGen C1275122, MONDO:0011114.
Familial cylindromatosis. Also called: Turban tumor syndrome; ANCELL-SPIEGLER CYLINDROMAS. Identifiers: Orphanet 211, Orphanet 79493, MedGen C1851526, MONDO:0007565, OMIM 132700.
CYLD-related disorder. Also called: CYLD-related condition.
Brooke-Spiegler syndrome. Also called: CYLD Cutaneous Syndrome. Identifiers: Orphanet 79493, MedGen C1857941, MONDO:0011512, OMIM 605041.

Allele frequency attached by ClinVar (database versions not stated): ExAC 0.00001; gnomAD exomes 0.00001; gnomAD 0.00002; TOPMed 0.00002.
gnomAD v4.1: 54 of 1,613,908 alleles (0.0033%); highest among the groups gnomAD compares: Middle Eastern, 0.016%; no homozygotes.

Submissions (4):

Illumina Laboratory Services, Illumina
Classification: Uncertain significance for Familial cylindromatosis. Last evaluated: 2018-01-12. Review status: criteria provided, single submitter. Criteria: ICSL Variant Classification Criteria 13 December 2019. Collection method: clinical testing. Allele origin: germline.

Illumina Laboratory Services, Illumina
Classification: Uncertain significance for Brooke-Spiegler syndrome. Last evaluated: 2018-01-12. Review status: criteria provided, single submitter. Criteria: ICSL Variant Classification Criteria 13 December 2019. Collection method: clinical testing. Allele origin: germline.

Illumina Laboratory Services, Illumina
Classification: Uncertain significance for Trichoepithelioma, multiple familial, 1. Last evaluated: 2018-01-12. Review status: criteria provided, single submitter. Criteria: ICSL Variant Classification Criteria 13 December 2019. Collection method: clinical testing. Allele origin: germline.

PreventionGenetics, part of Exact Sciences
Classification: Likely benign for CYLD-related condition. Last evaluated: 2023-05-29. Review status: no assertion criteria provided. Collection method: clinical testing. Allele origin: germline. Not counted in ClinVar's aggregate classification.
Comment: This variant is classified as likely benign based on ACMG/AMP sequence variant interpretation guidelines (Richards et al. 2015 PMID: 25741868, with internal and published modifications).